The following is an entry in ClinVar:

NM_001379451.1(BCORL1):c.933TCC[1] (p.Pro313del)

Gene: BCORL1 (BCL6 corepressor like 1; plus strand). Cytogenetic location: Xq26.1.
Variant type: Microsatellite.
Coding change: c.933TCC[1] on transcript NM_001379451.1 (MANE Select); one copy of the 3-base unit TCC starting at c.933; the reference has two copies in a row; one copy, 3 bases deleted.
Protein change: p.Pro313del; deletes proline 313.
Molecular consequence: inframe indel (on NM_021946.4).
Genome position (GRCh38, 1-based): chrX:130,013,708-130,013,710, TCC deleted; deleting any 3 consecutive bases within chrX:130,013,704-130,013,710 gives the same sequence; the position shown is the placement nearest the transcript's 3' end. VCF-style (leftmost placement, unchanged base first): chrX-130013703-GCTC-G. GRCh37 (hg19) VCF-style: chrX-129147679-GCTC-G.
Other names: c.933TCC[1], p.Pro313del (NM_001184772.3, NM_001379450.1, NM_021946.5); c.933_935TCC[1], p.Pro313del (NM_021946.4); c.936_938delTCC (NM_021946.4); short protein forms P313del.
Identifiers: ClinVar variation 3030286 (VCV003030286.2), dbSNP rs2522653199, ClinGen allele CA2740092269.

ClinVar aggregate classification (germline): Uncertain significance (0 of 4 stars; one submission).

Conditions:
BCORL1-related disorder. Also called: BCORL1-related condition.

Submission:

PreventionGenetics, part of Exact Sciences
Classification: Uncertain significance for BCORL1-related condition. Last evaluated: 2023-11-02. Review status: no assertion criteria provided. Collection method: clinical testing. Allele origin: germline.
Comment: The BCORL1 c.936_938delTCC variant is predicted to result in an in-frame deletion (p.Pro313del). To our knowledge, this variant has not been reported in the literature or in a large population database, indicating this variant is rare. At this time, the clinical significance of this variant is uncertain due to the absence of conclusive functional and genetic evidence.